The following is an entry in ClinVar:

NM_000492.4(CFTR):c.1036C>A (p.Leu346Met)

Gene: CFTR (CF transmembrane conductance regulator; plus strand). Cytogenetic location: 7q31.2.
Variant type: single nucleotide variant.
Coding change: c.1036C>A on transcript NM_000492.4 (MANE Select); coding-DNA position 1036, C replaced by A.
Protein change: p.Leu346Met; replaces leucine 346 with methionine.
Molecular consequence: missense variant.
Genome position (GRCh38, 1-based): chr7:117,540,266, C>A. VCF-style: chr7-117540266-C-A. GRCh37 (hg19) VCF-style: chr7-117180320-C-A.
Other names: short protein forms L346M.
Identifiers: ClinVar variation 4843819 (VCV004843819.1).

ClinVar aggregate classification (germline): Uncertain significance (1 of 4 stars; one submission).

Conditions:
Cystic fibrosis (CF). Also called: MUCOVISCIDOSIS. Identifiers: Orphanet 586, MedGen C0010674, MONDO:0009061, OMIM 219700. Disease mechanism: loss of function.

Submission:

Ambry Genetics
Classification: Uncertain significance for Cystic fibrosis. Last evaluated: 2025-12-15. Review status: criteria provided, single submitter. Criteria: Ambry Variant Classification Scheme 2023. Collection method: clinical testing. Allele origin: germline.
Comment: The p.L346M variant (also known as c.1036C>A), located in coding exon 8 of the CFTR gene, results from a C to A substitution at nucleotide position 1036. The leucine at codon 346 is replaced by methionine, an amino acid with highly similar properties. This amino acid position is highly conserved in available vertebrate species. In addition, this alteration is predicted to be deleterious by in silico analysis. Based on the available evidence, the clinical significance of this variant remains unclear.